The following is an entry in ClinVar:

ClinVar aggregate classification (germline): Pathogenic (1 of 4 stars; one submission).

Submission:

Labcorp Genetics (formerly Invitae), Labcorp
Classification: Pathogenic. Last evaluated: 2024-03-25. Review status: criteria provided, single submitter. Criteria: Invitae Variant Classification Sherloc (09022015). Collection method: clinical testing. Allele origin: germline.
Comment: This sequence change creates a premature translational stop signal (p.Ser20Alafs*121) in the NYX gene. While this is not anticipated to result in nonsense mediated decay, it is expected to disrupt the last 462 amino acid(s) of the NYX protein. The frequency data for this variant in the population databases is considered unreliable, as metrics indicate insufficient coverage at this position in the gnomAD database. This variant has not been reported in the literature in individuals affected with NYX-related conditions. This variant disrupts a region of the NYX protein in which other variant(s) (p.Cys362*) have been determined to be pathogenic (Invitae). This suggests that this is a clinically significant region of the protein, and that variants that disrupt it are likely to be disease-causing. For these reasons, this variant has been classified as Pathogenic.

NM_001378477.3(NYX):c.42del (p.Ser15fs)

Gene: NYX (nyctalopin; plus strand). Cytogenetic location: Xp11.4.
Variant type: Deletion.
Coding change: c.42del on transcript NM_001378477.3 (MANE Select); coding-DNA position 42, one base deleted (C; older notation c.42delC).
Protein change: p.Ser15fs; shifts the reading frame from serine 15.
Molecular consequence: frameshift variant.
Genome position (GRCh38, 1-based): chrX:41,473,510, C deleted; the last of 3 consecutive C bases (chrX:41,473,508-41,473,510); deleting any one gives the same sequence. VCF-style (leftmost placement, unchanged base first): chrX-41473507-GC-G. GRCh37 (hg19) VCF-style: chrX-41332760-GC-G.
Other names: c.42del, p.Ser15fs (NM_022567.3); short protein forms S15fs.
Identifiers: ClinVar variation 3643766 (VCV003643766.2).